The following is an entry in ClinVar:

ClinVar aggregate classification (germline): Uncertain significance (1 of 4 stars; one submission).

Conditions:
Familial hypobetalipoproteinemia 1. Also called: APOB-Related Familial Hypobetalipoproteinemia; Hypobetalipoproteinemia, normotriglyceridemic; Acanthocytosis with hypobetalipoproteinemia. Identifiers: MedGen C4551990, MONDO:0014252, OMIM 615558.
Hypercholesterolemia, autosomal dominant, type B (FHCL2). Also called: Familial Hypercholesterolemia Type B; APOLIPOPROTEIN B-100, FAMILIAL DEFECTIVE; APOLIPOPROTEIN B-100, FAMILIAL LIGAND-DEFECTIVE; APOB-Related Familial Hypercholesterolemia, Autosomal Dominant; Familial hypercholesterolemia 2; Hyperlipoproteinemia Type IIb. Identifiers: MedGen C1704417, MONDO:0007751, OMIM 144010.

Submission:

Labcorp Genetics (formerly Invitae), Labcorp
Classification: Uncertain significance for Familial hypobetalipoproteinemia 1; Hypercholesterolemia, autosomal dominant, type B. Last evaluated: 2022-07-06. Review status: criteria provided, single submitter. Criteria: Invitae Variant Classification Sherloc (09022015). Collection method: clinical testing. Allele origin: germline.
Comment: This variant is not present in population databases (gnomAD no frequency). This sequence change replaces alanine, which is neutral and non-polar, with proline, which is neutral and non-polar, at codon 3956 of the APOB protein (p.Ala3956Pro). This variant has not been reported in the literature in individuals affected with APOB-related conditions. In summary, the available evidence is currently insufficient to determine the role of this variant in disease. Therefore, it has been classified as a Variant of Uncertain Significance. Algorithms developed to predict the effect of missense changes on protein structure and function are either unavailable or do not agree on the potential impact of this missense change (SIFT: "Deleterious"; PolyPhen-2: "Possibly Damaging"; Align-GVGD: "Class C0"). ClinVar contains an entry for this variant (Variation ID: 962958).

NM_000384.3(APOB):c.11866G>C (p.Ala3956Pro)

Gene: APOB (apolipoprotein B; minus strand). Cytogenetic location: 2p24.1.
Variant type: single nucleotide variant.
Coding change: c.11866G>C on transcript NM_000384.3 (MANE Select); coding-DNA position 11866, G replaced by C.
Protein change: p.Ala3956Pro; replaces alanine 3956 with proline.
Molecular consequence: missense variant.
Genome position (GRCh38, 1-based): chr2:21,004,598, C>G on the plus strand (G>C on the coding strand, the complement: APOB is on the minus strand). VCF-style: chr2-21004598-C-G. GRCh37 (hg19) VCF-style: chr2-21227470-C-G.
Other names: short protein forms A3956P.
Identifiers: ClinVar variation 962958 (VCV000962958.12), dbSNP rs772263636, ClinGen allele CA43490886.